The following is an entry in ClinVar:

ClinVar aggregate classification (germline): Benign (1 of 4 stars; one submission).

Allele frequency attached by ClinVar (database versions not stated): gnomAD 0.26824 and 0.27583; 1000 Genomes Project 0.27616; TOPMed 0.28045; 1000 Genomes Project 30x 0.28310.
gnomAD v4.1: 40,594 of 152,084 alleles (27%); highest among the groups gnomAD compares: African/African-American, 57%; 8,187 homozygotes.

Submission:

GeneDx
Classification: Benign. Last evaluated: 2018-06-14. Review status: criteria provided, single submitter. Criteria: GeneDx Variant Classification (06012015). Collection method: clinical testing. Allele origin: germline. Affected: yes.
Comment: This variant is considered likely benign or benign based on one or more of the following criteria: it is a conservative change, it occurs at a poorly conserved position in the protein, it is predicted to be benign by multiple in silico algorithms, and/or has population frequency not consistent with disease.

NM_022489.4(INF2):c.1950-231C>T

Gene: INF2 (inverted formin 2; plus strand). Cytogenetic location: 14q32.33.
Variant type: single nucleotide variant.
Coding change: c.1950-231C>T on transcript NM_022489.4 (MANE Select); 231 bases into the intron before coding-DNA position 1950, C replaced by T.
Molecular consequence: intron variant.
Genome position (GRCh38, 1-based): chr14:104,709,050, C>T. VCF-style: chr14-104709050-C-T. GRCh37 (hg19) VCF-style: chr14-105175387-C-T.
Other names: c.1950-231C>T (NM_001031714.4).
Identifiers: ClinVar variation 681970 (VCV000681970.1), dbSNP rs73345596, ClinGen allele CA14000430.